The following is an entry in ClinVar:

ClinVar aggregate classification (germline): Uncertain significance (1 of 4 stars; one submission).

Allele frequency attached by ClinVar (database versions not stated): gnomAD exomes below 0.00001.
gnomAD v4.1: 1 of 1,556,430 alleles (0.000064%); highest among the groups gnomAD compares: Admixed American, 0.0019%; no homozygotes.

Submission:

Labcorp Genetics (formerly Invitae), Labcorp
Classification: Uncertain significance. Last evaluated: 2022-02-04. Review status: criteria provided, single submitter. Criteria: Invitae Variant Classification Sherloc (09022015). Collection method: clinical testing. Allele origin: germline.
Comment: This sequence change replaces arginine, which is basic and polar, with glutamine, which is neutral and polar, at codon 5 of the HELLS protein (p.Arg5Gln). This variant is not present in population databases (gnomAD no frequency). This variant has not been reported in the literature in individuals affected with HELLS-related conditions. Algorithms developed to predict the effect of missense changes on protein structure and function output the following: SIFT: "Tolerated"; PolyPhen-2: "Benign"; Align-GVGD: "Class C0". The glutamine amino acid residue is found in multiple mammalian species, which suggests that this missense change does not adversely affect protein function. In summary, the available evidence is currently insufficient to determine the role of this variant in disease. Therefore, it has been classified as a Variant of Uncertain Significance.

NM_018063.5(HELLS):c.14G>A (p.Arg5Gln)

Gene: HELLS (helicase, lymphoid specific; plus strand). Cytogenetic location: 10q23.33.
Variant type: single nucleotide variant.
Coding change: c.14G>A on transcript NM_018063.5 (MANE Select); coding-DNA position 14, G replaced by A.
Protein change: p.Arg5Gln; replaces arginine 5 with glutamine.
Molecular consequence: missense variant. On other transcripts: 5 prime UTR variant (4), intron variant (1).
Genome position (GRCh38, 1-based): chr10:94,545,935, G>A. VCF-style: chr10-94545935-G-A. GRCh37 (hg19) VCF-style: chr10-96305692-G-A.
Other names: c.14G>A, p.Arg5Gln (NM_001289067.2, NM_001289069.2, NM_001289070.2 and 1 more transcripts); c.-403G>A (NM_001289071.2); c.-336G>A (NM_001289073.2); c.-989G>A (NM_001289074.2); c.-1008G>A (NM_001289075.2); c.-18+28G>A (NM_001289068.2); short protein forms R5Q.
Identifiers: ClinVar variation 1480021 (VCV001480021.5), dbSNP rs1305417795, ClinGen allele CA377660759.
Genomic context (GRCh38, chr10:94,545,935, plus strand): 5'-GCAGGCTCTGAGAGGAGGGGACCCGGTTCCCGGGTGAGTGTCCAGGCATGCCAGCGGAAC[G>A]GCCCGCGGGCAGCGGCGGTGAGTGAGGAAAACCTTTTGGGCGCGGGTGGCAGCCTGCGGG-3'
Protein context (NP_060533.2, residues 1-15): MPAE[Arg5Gln]PAGSGGSEAP